The following is an entry in ClinVar:

NM_002878.4(RAD51D):c.561C>T (p.Gly187=)

Genes: RAD51L3-RFFL (RAD51L3-RFFL readthrough; minus strand), RAD51D (RAD51 paralog D; minus strand). Cytogenetic location: 17q12.
Variant type: single nucleotide variant.
Coding change: c.561C>T on transcript NM_002878.4 (MANE Select); coding-DNA position 561, C replaced by T.
Protein change: p.Gly187=; no amino-acid change (glycine 187 retained).
Molecular consequence: synonymous variant. On other transcripts: non-coding transcript variant (3).
Genome position (GRCh38, 1-based): chr17:35,106,401, G>A on the plus strand (C>T on the coding strand, the complement: RAD51D is on the minus strand). VCF-style: chr17-35106401-G-A. GRCh37 (hg19) VCF-style: chr17-33433420-G-A.
Other names: c.621C>T, p.Gly207= (NM_001142571.2); c.225C>T, p.Gly75= (NM_133629.3).
Identifiers: ClinVar variation 2701474 (VCV002701474.3), dbSNP rs2142428930, ClinGen allele CA499731567.

ClinVar aggregate classification (germline): Uncertain significance (1 of 4 stars; one submission).

Conditions:
Breast-ovarian cancer, familial, susceptibility to, 4. Identifiers: Orphanet 145, MedGen C3280345, MONDO:0013669, OMIM 614291.

Allele frequency attached by ClinVar (database versions not stated): gnomAD exomes below 0.00001.
gnomAD v4.1: 1 of 1,613,132 alleles (0.000062%); no homozygotes.

Submission:

Labcorp Genetics (formerly Invitae), Labcorp
Classification: Uncertain significance for Breast-ovarian cancer, familial, susceptibility to, 4. Last evaluated: 2025-04-29. Review status: criteria provided, single submitter. Criteria: Invitae Variant Classification Sherloc (09022015). Collection method: clinical testing. Allele origin: germline.
Comment: This sequence change affects codon 187 of the RAD51D mRNA. It is a 'silent' change, meaning that it does not change the encoded amino acid sequence of the RAD51D protein. This variant is not present in population databases (gnomAD no frequency). This variant has not been reported in the literature in individuals affected with RAD51D-related conditions. ClinVar contains an entry for this variant (Variation ID: 2701474). Studies have shown that this variant is associated with inconclusive levels of altered splicing (internal data). In summary, the available evidence is currently insufficient to determine the role of this variant in disease. Therefore, it has been classified as a Variant of Uncertain Significance.